The following is an entry in ClinVar:

ClinVar aggregate classification (germline): Pathogenic (1 of 4 stars; one submission).

Conditions:
Developmental and epileptic encephalopathy, 9 (DEE9). Also called: JUBERG-HELLMAN SYNDROME; Early infantile epileptic encephalopathy 9; PCDH19-Related X-Linked Female-Limited Epilepsy with Mental Retardation; EPILEPSY, FEMALE-RESTRICTED, WITH MENTAL RETARDATION. Identifiers: Orphanet 101039, Orphanet 2076, MedGen C1848137, MONDO:0010246, OMIM 300088. Disease mechanism: loss of function.

Submission:

Labcorp Genetics (formerly Invitae), Labcorp
Classification: Pathogenic for Developmental and epileptic encephalopathy, 9. Last evaluated: 2024-03-18. Review status: criteria provided, single submitter. Criteria: Invitae Variant Classification Sherloc (09022015). Collection method: clinical testing. Allele origin: germline.
Comment: This sequence change creates a premature translational stop signal (p.Asn391Metfs*178) in the PCDH19 gene. It is expected to result in an absent or disrupted protein product. Loss-of-function variants in PCDH19 are known to be pathogenic (PMID: 21053371). This variant is not present in population databases (gnomAD no frequency). This variant has not been reported in the literature in individuals affected with PCDH19-related conditions. For these reasons, this variant has been classified as Pathogenic.

Literature cited by the submitters: PubMed 21053371.

NM_001184880.2(PCDH19):c.1170del (p.Asn391fs)

Gene: PCDH19 (protocadherin 19; minus strand). Cytogenetic location: Xq22.1.
Variant type: Deletion.
Coding change: c.1170del on transcript NM_001184880.2 (MANE Select); coding-DNA position 1170, one base deleted (C; older notation c.1170delC).
Protein change: p.Asn391fs; shifts the reading frame from asparagine 391.
Molecular consequence: frameshift variant.
Genome position (GRCh38, 1-based): chrX:100,407,428, G deleted on the plus strand (C on the coding strand, the reverse complement: PCDH19 is on the minus strand). VCF-style (leftmost placement, unchanged base first): chrX-100407427-TG-T. GRCh37 (hg19) VCF-style: chrX-99662425-TG-T.
Other names: c.1170del, p.Asn391fs (NM_001105243.2, NM_020766.3); short protein forms N391fs.
Identifiers: ClinVar variation 3646556 (VCV003646556.2).